The following is an entry in ClinVar:

NM_002834.5(PTPN11):c.1703C>G (p.Pro568Arg)

Gene: PTPN11 (protein tyrosine phosphatase non-receptor type 11; plus strand). Cytogenetic location: 12q24.13.
Variant type: single nucleotide variant.
Coding change: c.1703C>G on transcript NM_002834.5 (MANE Select); coding-DNA position 1703, C replaced by G.
Protein change: p.Pro568Arg; replaces proline 568 with arginine.
Molecular consequence: missense variant.
Genome position (GRCh38, 1-based): chr12:112,502,247, C>G. VCF-style: chr12-112502247-C-G. GRCh37 (hg19) VCF-style: chr12-112940051-C-G.
Other names: c.1715C>G, p.Pro572Arg (NM_001330437.2); c.1700C>G, p.Pro567Arg (NM_001374625.1); short protein forms P567R, P568R, P572R.
Identifiers: ClinVar variation 4862752 (VCV004862752.1).
Genomic context (GRCh38, chr12:112,502,247, plus strand): 5'-CTCTAGCGGACCAGACGAGTGGAGATCAGAGCCCTCTCCCGCCTTGTACTCCAACGCCAC[C>G]CTGTGCAGAGTAAGTAGTGCTGAAGGAAATTCTTTTTACCTGGTCATGGTGGTTTAAAAA-3'
Protein context (NP_002825.3, residues 558-578): SPLPPCTPTP[Pro568Arg]CAEMREDSAR

ClinVar aggregate classification (germline): Uncertain significance (1 of 4 stars; one submission).

Conditions:
Cardiovascular phenotype. Identifiers: MedGen CN230736.

Submission:

Ambry Genetics
Classification: Uncertain significance for Cardiovascular phenotype. Last evaluated: 2026-03-16. Review status: criteria provided, single submitter. Criteria: Ambry Variant Classification Scheme 2023. Collection method: clinical testing. Allele origin: germline.
Comment: The p.P568R variant (also known as c.1703C>G), located in coding exon 14 of the PTPN11 gene, results from a C to G substitution at nucleotide position 1703. The proline at codon 568 is replaced by arginine, an amino acid with dissimilar properties. This amino acid position is conserved. In addition, this alteration is predicted to be tolerated by in silico analysis. Based on the available evidence, the clinical significance of this variant remains unclear.